The following is an entry in ClinVar:

NM_001999.4(FBN2):c.8192+244C>T

Gene: FBN2 (fibrillin 2; minus strand). Cytogenetic location: 5q23.3.
Variant type: single nucleotide variant.
Coding change: c.8192+244C>T on transcript NM_001999.4 (MANE Select); 244 bases into the intron after coding-DNA position 8192, C replaced by T.
Molecular consequence: intron variant.
Genome position (GRCh38, 1-based): chr5:128,263,181, G>A on the plus strand (C>T on the coding strand, the complement: FBN2 is on the minus strand). VCF-style: chr5-128263181-G-A. GRCh37 (hg19) VCF-style: chr5-127598873-G-A.
Identifiers: ClinVar variation 679063 (VCV000679063.2), dbSNP rs41298328, ClinGen allele CA12009912.

ClinVar aggregate classification (germline): Likely benign. Review status: criteria provided, multiple submitters, no conflicts (2 of 4 stars). 2 submissions from 2 submitters: Likely benign (2). Last evaluated 2018-06-14.

Allele frequency attached by ClinVar (database versions not stated): 1000 Genomes Project 0.01358; 1000 Genomes Project 30x 0.01452; gnomAD 0.01956 and 0.02024; TOPMed 0.02189.
gnomAD v4.1: 2,990 of 152,264 alleles (2%); highest among the groups gnomAD compares: Admixed American, 3.9%; 40 homozygotes.

Submissions (2):

GeneDx
Classification: Likely benign. Last evaluated: 2018-06-14. Review status: criteria provided, single submitter. Criteria: GeneDx Variant Classification (06012015). Collection method: clinical testing. Allele origin: germline. Affected: yes.
Comment: This variant is considered likely benign or benign based on one or more of the following criteria: it is a conservative change, it occurs at a poorly conserved position in the protein, it is predicted to be benign by multiple in silico algorithms, and/or has population frequency not consistent with disease.

Breakthrough Genomics
Classification: Likely benign. Review status: criteria provided, single submitter. Criteria: ACMG Guidelines, 2015. Collection method: not provided. Allele origin: germline. Inheritance: Autosomal dominant inheritance. Affected: yes.